The following is an entry in ClinVar:

ClinVar aggregate classification (germline): Uncertain significance (1 of 4 stars; one submission).

Submission:

Ambry Genetics
Classification: Uncertain significance. Last evaluated: 2024-02-11. Review status: criteria provided, single submitter. Criteria: Ambry Variant Classification Scheme 2023. Collection method: clinical testing. Allele origin: germline.
Comment: The p.S530I variant (also known as c.1589G>T), located in coding exon 10 of the POLQ gene, results from a G to T substitution at nucleotide position 1589. The serine at codon 530 is replaced by isoleucine, an amino acid with dissimilar properties. This amino acid position is conserved. In addition, this alteration is predicted to be tolerated by in silico analysis. Based on the available evidence, the clinical significance of this alteration remains unclear.

NM_199420.4(POLQ):c.1589G>T (p.Ser530Ile)

Gene: POLQ (DNA polymerase theta; minus strand). Cytogenetic location: 3q13.33.
Variant type: single nucleotide variant.
Coding change: c.1589G>T on transcript NM_199420.4 (MANE Select); coding-DNA position 1589, G replaced by T.
Protein change: p.Ser530Ile; replaces serine 530 with isoleucine.
Molecular consequence: missense variant.
Genome position (GRCh38, 1-based): chr3:121,511,909, C>A on the plus strand (G>T on the coding strand, the complement: POLQ is on the minus strand). VCF-style: chr3-121511909-C-A. GRCh37 (hg19) VCF-style: chr3-121230756-C-A.
Other names: short protein forms S530I.
Identifiers: ClinVar variation 3229844 (VCV003229844.1), dbSNP rs2546804219, ClinGen allele CA354116010.